The following is an entry in ClinVar:

NM_001005242.3(PKP2):c.12del (p.Gly5fs)

Gene: PKP2 (plakophilin 2; minus strand). Cytogenetic location: 12p11.21.
Variant type: Deletion.
Coding change: c.12del on transcript NM_001005242.3 (MANE Select); coding-DNA position 12, one base deleted (C; older notation c.12delC).
Protein change: p.Gly5fs; shifts the reading frame from glycine 5.
Molecular consequence: frameshift variant. On other transcripts: 5 prime UTR variant (4).
Genome position (GRCh38, 1-based): chr12:32,896,720, G deleted on the plus strand (C on the coding strand, the reverse complement: PKP2 is on the minus strand); the first of 5 consecutive G bases (chr12:32,896,720-32,896,724); deleting any one gives the same sequence. VCF-style (leftmost placement, unchanged base first): chr12-32896719-CG-C. GRCh37 (hg19) VCF-style: chr12-33049653-CG-C.
Other names: c.12del, p.Gly5fs (NM_001407155.1, NM_001407156.1, NM_001407157.1 and 2 more transcripts); c.-815del (NM_001407158.1, NM_001407162.1); c.-579del (NM_001407159.1, NM_001407160.1); short protein forms G5fs.
Identifiers: ClinVar variation 3076016 (VCV003076016.1), dbSNP rs2541385249, ClinGen allele CA604480711.
Genomic context (GRCh38, chr12:32,896,719, plus strand): 5'-GTTGTCCCAGGATCTGCTGGCCCAGGACGGTCCGGATGTAGCCGTACTCAGCTGGGGCGC[CG>C]GGGGCTGCCATGGGGCCGGTGGGGGCGACCGAGCTGCTCGCCTGCCTCTGGACTCGCGGG-3'

ClinVar aggregate classification (germline): Likely pathogenic (1 of 4 stars; one submission).

Conditions:
Arrhythmogenic right ventricular cardiomyopathy (ARVD). Also called: Arrhythmogenic right ventricular dysplasia; Cardiomyopathy, ARVC; Arrhythmogenic cardiomyopathy; Arrhythmogenic Right Ventricular Cardiomyopathy (ARVC). Identifiers: Orphanet 247, MedGen C0349788, MeSH D019571, MONDO:0016587. Disease mechanism: loss of function. Inheritance: Various modes of inheritance.

Submission:

Laboratory for Molecular Medicine, Mass General Brigham Personalized Medicine
Classification: Likely pathogenic for Arrhythmogenic right ventricular cardiomyopathy. Last evaluated: 2016-05-06. Review status: criteria provided, single submitter. Criteria: ACMG Guidelines, 2015. Collection method: clinical testing. Allele origin: germline.
Comment: The p.Gly5fs (c.12delC) variant in PKP2 has not been previously reported, although the p.Gly5fs (c.14delG) variant has been identified in one individual with ARVC (LMM unpublished data). Data from large population studies is insufficient to assess the frequency of this variant. This frameshift variant is predicted to alter the protein’s amino acid sequence beginning at position 5 and lead to a premature termination codon 34 amino acids downstream. This alteration is then predicted to lead to a truncated or absent protein. Heterozygous loss of PKP2 function is an established disease mechanism in individuals with ARVC. In summary, although additional studies are required to fully establish its clinical significance, the p.Gly5fs variant is likely pathogenic.